The following is an entry in ClinVar:

ClinVar aggregate classification (germline): Benign/Likely benign. Review status: criteria provided, multiple submitters, no conflicts (2 of 4 stars). 8 submissions from 7 submitters: Benign (3); Likely benign (5). Last evaluated 2025-12-23.

Conditions:
Inborn genetic diseases. Identifiers: MedGen C0950123, MeSH D030342.
Amyotrophic lateral sclerosis type 4 (ALS4). Also called: AMYOTROPHIC LATERAL SCLEROSIS 4, JUVENILE; NEURONOPATHY, DISTAL HEREDITARY MOTOR, WITH PYRAMIDAL FEATURES. Identifiers: Orphanet 357043, MedGen C1865409, MONDO:0011223, OMIM 602433.
Spinocerebellar ataxia, autosomal recessive, with axonal neuropathy 2 (SCAN2). Also called: Ataxia-ocular apraxia-2; Ataxia with Oculomotor Apraxia; Ataxia with Oculomotor Apraxia Type 2; ATAXIA-OCULOMOTOR APRAXIA 2. Identifiers: Orphanet 64753, MedGen C1853761, MONDO:0018996, OMIM 606002.

Allele frequency attached by ClinVar (database versions not stated): TOPMed 0.00272; ESP Exome Variant Server 0.00277; 1000 Genomes Project 0.00339; 1000 Genomes Project 30x 0.00390.
gnomAD v4.1: 757 of 1,614,000 alleles (0.047%); highest among the groups gnomAD compares: African/African-American, 0.91%; 5 homozygotes.

Submissions (8):

Labcorp Genetics (formerly Invitae), Labcorp
Classification: Benign for Amyotrophic lateral sclerosis type 4; Spinocerebellar ataxia, autosomal recessive, with axonal neuropathy 2. Last evaluated: 2025-12-23. Review status: criteria provided, single submitter. Criteria: Invitae Variant Classification Sherloc (09022015). Collection method: clinical testing. Allele origin: germline.

Blueprint Genetics
Classification: Likely benign. Last evaluated: 2024-02-16. Review status: criteria provided, single submitter. Criteria: ACMG Guidelines, 2015. Collection method: clinical testing. Allele origin: germline.

CeGaT Center for Human Genetics Tuebingen
Classification: Likely benign. Last evaluated: 2024-01-01. Review status: criteria provided, single submitter. Criteria: CeGaT Center For Human Genetics Tuebingen Variant Classification Criteria Version 2. Collection method: clinical testing. Allele origin: germline. Affected: yes. Observed: 2 variant alleles.
Comment: SETX: BP4, BP7, BS2

Genome-Nilou Lab
Classification: Likely benign for Spinocerebellar ataxia, autosomal recessive, with axonal neuropathy 2. Last evaluated: 2023-02-08. Review status: criteria provided, single submitter. Criteria: ACMG Guidelines, 2015. Collection method: clinical testing. Allele origin: germline.

Genome-Nilou Lab
Classification: Likely benign for Amyotrophic lateral sclerosis type 4. Last evaluated: 2023-02-08. Review status: criteria provided, single submitter. Criteria: ACMG Guidelines, 2015. Collection method: clinical testing. Allele origin: germline.

Mayo Clinic Laboratories, Mayo Clinic
Classification: Benign. Last evaluated: 2022-03-11. Review status: criteria provided, single submitter. Criteria: ACMG Guidelines, 2015. Collection method: clinical testing. Allele origin: germline. Observed: 7 variant alleles.
Comment: BS1, BS2, BP4, BP7

Ambry Genetics
Classification: Likely benign for Inborn genetic diseases. Last evaluated: 2019-07-11. Review status: criteria provided, single submitter. Criteria: Ambry Variant Classification Scheme 2023. Collection method: clinical testing. Allele origin: germline.

Athena Diagnostics
Classification: Benign. Last evaluated: 2018-10-01. Review status: criteria provided, single submitter. Criteria: Athena Diagnostics Criteria. Collection method: clinical testing. Allele origin: germline.

NM_015046.7(SETX):c.3651G>T (p.Thr1217=)

Gene: SETX (senataxin; minus strand). Cytogenetic location: 9q34.13.
Variant type: single nucleotide variant.
Coding change: c.3651G>T on transcript NM_015046.7 (MANE Select); coding-DNA position 3651, G replaced by T.
Protein change: p.Thr1217=; no amino-acid change (threonine 1217 retained).
Molecular consequence: synonymous variant.
Genome position (GRCh38, 1-based): chr9:132,327,947, C>A on the plus strand (G>T on the coding strand, the complement: SETX is on the minus strand). VCF-style: chr9-132327947-C-A. GRCh37 (hg19) VCF-style: chr9-135203334-C-A.
Other names: p.Thr1217=; c.3651G>T, p.Thr1217= (NM_001351527.2, NM_001351528.2).
Identifiers: ClinVar variation 536396 (VCV000536396.39), dbSNP rs111419285, ClinGen allele CA5297354.